The following is an entry in ClinVar:

NM_000138.5(FBN1):c.8226+4G>T

Gene: FBN1 (fibrillin 1; minus strand). Cytogenetic location: 15q21.1.
Variant type: single nucleotide variant.
Coding change: c.8226+4G>T on transcript NM_000138.5 (MANE Select); 4 bases into the intron after coding-DNA position 8226, G replaced by T.
Molecular consequence: intron variant.
Genome position (GRCh38, 1-based): chr15:48,412,565, C>A on the plus strand (G>T on the coding strand, the complement: FBN1 is on the minus strand). VCF-style: chr15-48412565-C-A. GRCh37 (hg19) VCF-style: chr15-48704762-C-A.
Other names: c.8226+4G>T (NM_001406716.1).
Identifiers: ClinVar variation 4785112 (VCV004785112.1).

ClinVar aggregate classification (germline): Uncertain significance (1 of 4 stars; one submission).

Conditions:
Marfan syndrome (MFS). Also called: FBN1-Related Marfan Syndrome; MARFAN SYNDROME, TYPE I; Marfan syndrome type 1; Marfan's syndrome; Marfan syndrome, classic. Identifiers: Orphanet 284963, Orphanet 558, MedGen C0024796, MONDO:0007947, OMIM 154700.
Familial thoracic aortic aneurysm and aortic dissection (TAAD). Also called: Thoracic aortic aneurysms and dissections. Identifiers: Orphanet 91387, MedGen C4707243, MONDO:0019625.

gnomAD v4.1: 4 of 1,613,838 alleles (0.00025%); highest among the groups gnomAD compares: South Asian, 0.0011%; no homozygotes.

Submission:

Labcorp Genetics (formerly Invitae), Labcorp
Classification: Uncertain significance for Marfan syndrome; Familial thoracic aortic aneurysm and aortic dissection. Last evaluated: 2025-10-07. Review status: criteria provided, single submitter. Criteria: Invitae Variant Classification Sherloc (09022015). Collection method: clinical testing. Allele origin: germline.
Comment: This sequence change falls in intron 65 of the FBN1 gene. It does not directly change the encoded amino acid sequence of the FBN1 protein. It affects a nucleotide within the consensus splice site. This variant is not present in population databases (gnomAD no frequency). This variant has not been reported in the literature in individuals affected with FBN1-related conditions. Variants that disrupt the consensus splice site are a relatively common cause of aberrant splicing (PMID: 17576681, 9536098). Algorithms developed to predict the effect of sequence changes on RNA splicing suggest that this variant is not likely to affect RNA splicing. In summary, the available evidence is currently insufficient to determine the role of this variant in disease. Therefore, it has been classified as a Variant of Uncertain Significance.

Literature cited by the submitters: PubMed 17576681; PubMed 9536098.